The following is an entry in ClinVar:

NM_024700.4(SNIP1):c.149G>C (p.Gly50Ala)

Gene: SNIP1 (Smad nuclear interacting protein 1; minus strand). Cytogenetic location: 1p34.3.
Variant type: single nucleotide variant.
Coding change: c.149G>C on transcript NM_024700.4 (MANE Select); coding-DNA position 149, G replaced by C.
Protein change: p.Gly50Ala; replaces glycine 50 with alanine.
Molecular consequence: missense variant.
Genome position (GRCh38, 1-based): chr1:37,554,081, C>G on the plus strand (G>C on the coding strand, the complement: SNIP1 is on the minus strand). VCF-style: chr1-37554081-C-G. GRCh37 (hg19) VCF-style: chr1-38019682-C-G.
Other names: short protein forms G50A.
Identifiers: ClinVar variation 1421314 (VCV001421314.8), dbSNP rs780403144, ClinGen allele CA771420.

ClinVar aggregate classification (germline): Uncertain significance (1 of 4 stars; one submission).

Allele frequency attached by ClinVar (database versions not stated): TOPMed below 0.00001; gnomAD 0.00001; gnomAD exomes 0.00001 and 0.00002; ExAC 0.00005.
gnomAD v4.1: 21 of 1,607,184 alleles (0.0013%); highest among the groups gnomAD compares: East Asian, 0.0022%; no homozygotes.

Submission:

Labcorp Genetics (formerly Invitae), Labcorp
Classification: Uncertain significance. Last evaluated: 2024-10-30. Review status: criteria provided, single submitter. Criteria: Invitae Variant Classification Sherloc (09022015). Collection method: clinical testing. Allele origin: germline.
Comment: This sequence change replaces glycine, which is neutral and non-polar, with alanine, which is neutral and non-polar, at codon 50 of the SNIP1 protein (p.Gly50Ala). This variant is present in population databases (rs780403144, gnomAD 0.004%). This variant has not been reported in the literature in individuals affected with SNIP1-related conditions. ClinVar contains an entry for this variant (Variation ID: 1421314). An algorithm developed to predict the effect of missense changes on protein structure and function outputs the following: PolyPhen-2: "Benign". The alanine amino acid residue is found in multiple mammalian species, which suggests that this missense change does not adversely affect protein function. In summary, the available evidence is currently insufficient to determine the role of this variant in disease. Therefore, it has been classified as a Variant of Uncertain Significance.